The following is an entry in ClinVar:

NM_000066.4(C8B):c.1134T>G (p.Cys378Trp)

Gene: C8B (complement C8 beta chain; minus strand). Cytogenetic location: 1p32.2.
Variant type: single nucleotide variant.
Coding change: c.1134T>G on transcript NM_000066.4 (MANE Select); coding-DNA position 1134, T replaced by G.
Protein change: p.Cys378Trp; replaces cysteine 378 with tryptophan.
Molecular consequence: missense variant.
Genome position (GRCh38, 1-based): chr1:56,943,796, A>C on the plus strand (T>G on the coding strand, the complement: C8B is on the minus strand). VCF-style: chr1-56943796-A-C. GRCh37 (hg19) VCF-style: chr1-57409469-A-C.
Other names: c.978T>G, p.Cys326Trp (NM_001278543.2); c.948T>G, p.Cys316Trp (NM_001278544.2); short protein forms C316W, C378W, C326W.
Identifiers: ClinVar variation 4711945 (VCV004711945.1).

ClinVar aggregate classification (germline): Uncertain significance (1 of 4 stars; one submission).

gnomAD v4.1: 1 of 1,614,112 alleles (0.000062%); highest among the groups gnomAD compares: Non-Finnish European, 0.000085%; no homozygotes.

Submission:

Labcorp Genetics (formerly Invitae), Labcorp
Classification: Uncertain significance. Last evaluated: 2025-02-06. Review status: criteria provided, single submitter. Criteria: Invitae Variant Classification Sherloc (09022015). Collection method: clinical testing. Allele origin: germline.
Comment: This sequence change replaces cysteine, which is neutral and slightly polar, with tryptophan, which is neutral and slightly polar, at codon 378 of the C8B protein (p.Cys378Trp). This variant is not present in population databases (gnomAD no frequency). This variant has not been reported in the literature in individuals affected with C8B-related conditions. An algorithm developed to predict the effect of missense changes on protein structure and function (PolyPhen-2) suggests that this variant is likely to be disruptive. In summary, the available evidence is currently insufficient to determine the role of this variant in disease. Therefore, it has been classified as a Variant of Uncertain Significance.